The following is an entry in ClinVar:

NM_198282.4(STING1):c.760-2_766delinsTACCT

Gene: STING1 (stimulator of interferon response cGAMP interactor 1; minus strand). Cytogenetic location: 5q31.2.
Variant type: Indel.
Coding change: c.760-2_766delinsTACCT on transcript NM_198282.4 (MANE Select); the canonical splice acceptor site of the intron before coding-DNA position 760 through coding-DNA position 766, AGGCGGGCA replaced by TACCT.
Molecular consequence: splice acceptor variant. On other transcripts: intron variant (1).
Genome position (GRCh38, 1-based): chr5:139,477,509-139,477,517, TGCCCGCCT replaced by AGGTA on the plus strand (AGGCGGGCA replaced by TACCT on the coding strand, the reverse complement: STING1 is on the minus strand). VCF-style: chr5-139477509-TGCCCGCCT-AGGTA. GRCh37 (hg19) VCF-style: chr5-138857094-TGCCCGCCT-AGGTA.
Other names: c.403-2_409delinsTACCT (NM_001367258.1); c.759+753_759+761delinsTACCT (NM_001301738.2).
Identifiers: ClinVar variation 1331713 (VCV001331713.2), dbSNP rs2152093375, ClinGen allele CA2573052436.

ClinVar aggregate classification (germline): Uncertain significance. Review status: criteria provided, multiple submitters, no conflicts (2 of 4 stars). 2 submissions from 2 submitters: Uncertain significance (2). Last evaluated 2026-03-26.

Conditions:
STING-associated vasculopathy with onset in infancy. Also called: Sting-associated vasculopathy, infantile-onset. Identifiers: Orphanet 425120, MedGen C4014722, MONDO:0014405, OMIM 615934.

Submissions (2):

GeneDx
Classification: Uncertain significance. Last evaluated: 2026-03-26. Review status: criteria provided, single submitter. Criteria: GeneDx Variant Classification Process June 2021. Collection method: clinical testing. Allele origin: germline.
Comment: Not observed at significant frequency in large population cohorts (gnomAD); Canonical splice site variant in a gene or region of a gene for which loss of function is not a well-established mechanism of disease; Has not been previously published as pathogenic or benign to our knowledge

Johns Hopkins Genomics, Johns Hopkins University
Classification: Uncertain significance for STING-associated vasculopathy with onset in infancy. Last evaluated: 2021-10-21. Review status: criteria provided, single submitter. Criteria: ACMG Guidelines, 2015. Collection method: clinical testing. Allele origin: germline.
Comment: STING1 c.760-2_766delinsTACCT has not been reported ClinVar nor the literature, to our knowledge. This variant does not have a entry in a large population dataset, so the exact minor allele frequency in this dataset is not known. While it does not have a separate entry, manual review of entries in this region indicate that this variant is rare (<0.1%) in this population dataset. Bioinformatic analysis predicts that this variant would affect normal exon 7 splicing, although this has not been confirmed experimentally to our knowledge. We consider the clinical significance of STING1 c.760-2_766delinsTACCT to be uncertain at this time.